The following is an entry in ClinVar:

ClinVar aggregate classification (germline): Uncertain significance (1 of 4 stars; one submission).

Submission:

Labcorp Genetics (formerly Invitae), Labcorp
Classification: Uncertain significance. Last evaluated: 2023-04-04. Review status: criteria provided, single submitter. Criteria: Invitae Variant Classification Sherloc (09022015). Collection method: clinical testing. Allele origin: germline.
Comment: In summary, the available evidence is currently insufficient to determine the role of this variant in disease. Therefore, it has been classified as a Variant of Uncertain Significance. This variant disrupts the p.His275 amino acid residue in FRMD7. Other variant(s) that disrupt this residue have been observed in individuals with FRMD7-related conditions (PMID: 17397053), which suggests that this may be a clinically significant amino acid residue. An algorithm developed to predict the effect of missense changes on protein structure and function (PolyPhen-2) suggests that this variant is likely to be disruptive. This missense change has been observed in individual(s) with nystagmus (Invitae). This variant is not present in population databases (gnomAD no frequency). This sequence change replaces histidine, which is basic and polar, with arginine, which is basic and polar, at codon 275 of the FRMD7 protein (p.His275Arg).

Literature cited by the submitters: PubMed 17397053.

NM_194277.3(FRMD7):c.824A>G (p.His275Arg)

Gene: FRMD7 (FERM domain containing 7; minus strand). Cytogenetic location: Xq26.2.
Variant type: single nucleotide variant.
Coding change: c.824A>G on transcript NM_194277.3 (MANE Select); coding-DNA position 824, A replaced by G.
Protein change: p.His275Arg; replaces histidine 275 with arginine.
Molecular consequence: missense variant.
Genome position (GRCh38, 1-based): chrX:132,082,444, T>C on the plus strand (A>G on the coding strand, the complement: FRMD7 is on the minus strand). VCF-style: chrX-132082444-T-C. GRCh37 (hg19) VCF-style: chrX-131216472-T-C.
Other names: c.779A>G, p.His260Arg (NM_001306193.2); short protein forms H275R, H260R.
Identifiers: ClinVar variation 2737371 (VCV002737371.3), dbSNP rs1927849499, ClinGen allele CA414680488.